The following is an entry in ClinVar:

ClinVar aggregate classification (germline): Uncertain significance. Review status: criteria provided, multiple submitters, no conflicts (2 of 4 stars). 2 submissions from 2 submitters: Uncertain significance (2). Last evaluated 2022-05-29.

Conditions:
Autosomal recessive nonsyndromic hearing loss 9. Also called: Deafness, autosomal recessive 9; OTOF-Related Hearing Loss; NEUROSENSORY NONSYNDROMIC RECESSIVE DEAFNESS 9; AUDITORY NEUROPATHY, AUTOSOMAL RECESSIVE, 1, TEMPERATURE-SENSITIVE. Identifiers: Orphanet 90636, MedGen C1832828, MONDO:0010986, OMIM 601071.

Allele frequency attached by ClinVar (database versions not stated): ESP Exome Variant Server 0.00015.

Submissions (2):

Labcorp Genetics (formerly Invitae), Labcorp
Classification: Uncertain significance. Last evaluated: 2022-05-29. Review status: criteria provided, single submitter. Criteria: Invitae Variant Classification Sherloc (09022015). Collection method: clinical testing. Allele origin: germline.
Comment: This sequence change replaces arginine, which is basic and polar, with tryptophan, which is neutral and slightly polar, at codon 652 of the OTOF protein (p.Arg652Trp). This variant is present in population databases (rs373864355, gnomAD 0.006%). This variant has not been reported in the literature in individuals affected with OTOF-related conditions. Algorithms developed to predict the effect of missense changes on protein structure and function are either unavailable or do not agree on the potential impact of this missense change (SIFT: "Deleterious"; PolyPhen-2: "Possibly Damaging"; Align-GVGD: "Class C0"). In summary, the available evidence is currently insufficient to determine the role of this variant in disease. Therefore, it has been classified as a Variant of Uncertain Significance.

Victorian Clinical Genetics Services, Murdoch Childrens Research Institute
Classification: Uncertain significance for Autosomal recessive nonsyndromic hearing loss 9. Last evaluated: 2020-06-11. Review status: criteria provided, single submitter. Criteria: ACMG Guidelines, 2015. Collection method: clinical testing. Allele origin: germline. Inheritance: Autosomal recessive inheritance. Affected: yes.
Comment: Based on the classification scheme VCGS_Germline_v1.1.1, this variant is classified as 3C-VUS. Following criteria are met: 0102 - Loss-of-function is a known mechanism of disease for this gene. (N) 0106 - This gene is known to be associated with autosomal recessive disease. (N) 0200 - Variant is predicted to result in a missense amino acid change from arginine to tryptophan (exon 17). (N) 0251 - Variant is heterozygous. (N) 0304 - Variant is present in gnomAD <0.01 for a recessive condition (4 heterozygotes, 0 homozygotes). (P) 0309 - An alternative amino acid change at the same position has been observed in gnomAD (13 heterozygotes, 0 homozygotes). (N) 0503 - Missense variant consistently predicted to be tolerated or not conserved in mammals with a minor amino acid change. (B) 0604 - Variant is not located in an established domain, motif, hotspot or informative constraint region. (N) 0705 - No comparable variants have previous evidence for pathogenicity. (N) 0807 - Variant has not previously been reported in a clinical context. (N) 0905 - No segregation evidence has been identified for this variant. (N) 1007 - No published functional evidence has been identified for this variant. (N) 1208 - Inheritance information for this variant is not currently available. (N) Legend: (P) - Pathogenic, (N) - Neutral, (B) - Benign

NM_194248.3(OTOF):c.1954C>T (p.Arg652Trp)

Gene: OTOF (otoferlin; minus strand). Cytogenetic location: 2p23.3.
Variant type: single nucleotide variant.
Coding change: c.1954C>T on transcript NM_194248.3 (MANE Select); coding-DNA position 1954, C replaced by T.
Protein change: p.Arg652Trp; replaces arginine 652 with tryptophan.
Molecular consequence: missense variant.
Genome position (GRCh38, 1-based): chr2:26,479,612, G>A on the plus strand (C>T on the coding strand, the complement: OTOF is on the minus strand). VCF-style: chr2-26479612-G-A. GRCh37 (hg19) VCF-style: chr2-26702480-G-A.
Other names: c.1954C>T, p.Arg652Trp (NM_001287489.2); short protein forms R652W.
Identifiers: ClinVar variation 1805732 (VCV001805732.3), dbSNP rs373864355, ClinGen allele CA1564109.